The following is an entry in ClinVar:

NM_015978.3(TNNI3K):c.1422del (p.Phe474fs)

Genes: FPGT-TNNI3K (FPGT-TNNI3K readthrough; plus strand), TNNI3K (TNNI3 interacting kinase; plus strand). Cytogenetic location: 1p31.1.
Variant type: Deletion.
Coding change: c.1422del on transcript NM_015978.3 (MANE Select); coding-DNA position 1422, one base deleted (T; older notation c.1422delT).
Protein change: p.Phe474fs; shifts the reading frame from phenylalanine 474.
Molecular consequence: frameshift variant.
Genome position (GRCh38, 1-based): chr1:74,369,214, T deleted; the last of 4 consecutive T bases (chr1:74,369,211-74,369,214); deleting any one gives the same sequence. VCF-style (leftmost placement, unchanged base first): chr1-74369210-CT-C. GRCh37 (hg19) VCF-style: chr1-74834894-CT-C.
Other names: c.1725del, p.Phe575fs (NM_001112808.3, NM_001199327.2); c.1422del (NM_015978.2); short protein forms F575fs, F474fs.
Identifiers: ClinVar variation 2994024 (VCV002994024.4), dbSNP rs2524469662, ClinGen allele CA418443924.

ClinVar aggregate classification (germline): Uncertain significance. Review status: criteria provided, multiple submitters, no conflicts (2 of 4 stars). 2 submissions from 2 submitters: Uncertain significance (2). Last evaluated 2025-12-23.

Submissions (2):

Labcorp Genetics (formerly Invitae), Labcorp
Classification: Uncertain significance. Last evaluated: 2025-12-23. Review status: criteria provided, single submitter. Criteria: Invitae Variant Classification Sherloc (09022015). Collection method: clinical testing. Allele origin: germline.
Comment: This sequence change creates a premature translational stop signal (p.Phe474Leufs*13) in the TNNI3K gene. It is expected to result in an absent or disrupted protein product. However, the current clinical and genetic evidence is not sufficient to establish whether loss-of-function variants in TNNI3K cause disease. This variant is not present in population databases (gnomAD no frequency). This variant has not been reported in the literature in individuals affected with TNNI3K-related conditions. ClinVar contains an entry for this variant (Variation ID: 2994024). In summary, the available evidence is currently insufficient to determine the role of this variant in disease. Therefore, it has been classified as a Variant of Uncertain Significance.

GeneDx
Classification: Uncertain significance. Last evaluated: 2025-06-29. Review status: criteria provided, single submitter. Criteria: GeneDx Variant Classification Process June 2021. Collection method: clinical testing. Allele origin: germline. Affected: yes.
Comment: Not observed at significant frequency in large population cohorts (gnomAD); Frameshift variant predicted to result in protein truncation or nonsense mediated decay in a gene or region of a gene for which loss of function is not a well-established mechanism of disease; Has not been previously published as pathogenic or benign to our knowledge